The following is an entry in ClinVar:

NM_001567.4(INPPL1):c.2873C>T (p.Thr958Ile)

Gene: INPPL1 (inositol polyphosphate phosphatase like 1; plus strand). Cytogenetic location: 11q13.4.
Variant type: single nucleotide variant.
Coding change: c.2873C>T on transcript NM_001567.4 (MANE Select); coding-DNA position 2873, C replaced by T.
Protein change: p.Thr958Ile; replaces threonine 958 with isoleucine.
Molecular consequence: missense variant.
Genome position (GRCh38, 1-based): chr11:72,235,980, C>T. VCF-style: chr11-72235980-C-T. GRCh37 (hg19) VCF-style: chr11-71947024-C-T.
Other names: short protein forms T958I.
Identifiers: ClinVar variation 859143 (VCV000859143.8), dbSNP rs768989262, ClinGen allele CA6170488.

ClinVar aggregate classification (germline): Uncertain significance (1 of 4 stars; one submission).

Allele frequency attached by ClinVar (database versions not stated): gnomAD 0.00001; gnomAD exomes 0.00001 and 0.00003; ExAC 0.00002; TOPMed 0.00002.
gnomAD v4.1: 9 of 1,582,600 alleles (0.00057%); highest among the groups gnomAD compares: Admixed American, 0.016%; no homozygotes.

Submission:

Labcorp Genetics (formerly Invitae), Labcorp
Classification: Uncertain significance. Last evaluated: 2019-12-30. Review status: criteria provided, single submitter. Criteria: Invitae Variant Classification Sherloc (09022015). Collection method: clinical testing. Allele origin: germline.
Comment: This sequence change replaces threonine with isoleucine at codon 958 of the INPPL1 protein (p.Thr958Ile). The threonine residue is moderately conserved and there is a moderate physicochemical difference between threonine and isoleucine. In summary, the available evidence is currently insufficient to determine the role of this variant in disease. Therefore, it has been classified as a Variant of Uncertain Significance. Algorithms developed to predict the effect of missense changes on protein structure and function are either unavailable or do not agree on the potential impact of this missense change (SIFT: "Deleterious"; PolyPhen-2: "Benign"; Align-GVGD: "Class C0"). This variant has not been reported in the literature in individuals with INPPL1-related conditions. This variant is present in population databases (rs768989262, ExAC 0.02%).